The following is an entry in ClinVar:

NM_173500.4(TTBK2):c.2386G>T (p.Gly796Trp)

Gene: TTBK2 (tau tubulin kinase 2; minus strand). Cytogenetic location: 15q15.2.
Variant type: single nucleotide variant.
Coding change: c.2386G>T on transcript NM_173500.4 (MANE Select); coding-DNA position 2386, G replaced by T.
Protein change: p.Gly796Trp; replaces glycine 796 with tryptophan.
Molecular consequence: missense variant.
Genome position (GRCh38, 1-based): chr15:42,752,860, C>A on the plus strand (G>T on the coding strand, the complement: TTBK2 is on the minus strand). VCF-style: chr15-42752860-C-A. GRCh37 (hg19) VCF-style: chr15-43045058-C-A.
Other names: short protein forms G796W.
Identifiers: ClinVar variation 3463123 (VCV003463123.2).

ClinVar aggregate classification (germline): Uncertain significance. Review status: criteria provided, multiple submitters, no conflicts (2 of 4 stars). 2 submissions from 2 submitters: Uncertain significance (2). Last evaluated 2025-12-26.

Conditions:
Inborn genetic diseases. Identifiers: MedGen C0950123, MeSH D030342.

gnomAD v4.1: 6 of 1,614,030 alleles (0.00037%); highest among the groups gnomAD compares: African/African-American, 0.0067%; no homozygotes.

Submissions (2):

Labcorp Genetics (formerly Invitae), Labcorp
Classification: Uncertain significance. Last evaluated: 2025-12-26. Review status: criteria provided, single submitter. Criteria: Invitae Variant Classification Sherloc (09022015). Collection method: clinical testing. Allele origin: germline.
Comment: This sequence change replaces glycine, which is neutral and non-polar, with tryptophan, which is neutral and slightly polar, at codon 796 of the TTBK2 protein (p.Gly796Trp). This variant is present in population databases (rs774867670, gnomAD 0.02%). This variant has not been reported in the literature in individuals affected with TTBK2-related conditions. ClinVar contains an entry for this variant (Variation ID: 3463123). An algorithm developed to predict the effect of missense changes on protein structure and function (PolyPhen-2) suggests that this variant is likely to be disruptive. In summary, the available evidence is currently insufficient to determine the role of this variant in disease. Therefore, it has been classified as a Variant of Uncertain Significance.

Ambry Genetics
Classification: Uncertain significance for Inborn genetic diseases. Last evaluated: 2024-11-07. Review status: criteria provided, single submitter. Criteria: Ambry Variant Classification Scheme 2023. Collection method: clinical testing. Allele origin: germline.